The following is an entry in ClinVar:

ClinVar aggregate classification (germline): Benign/Likely benign. Review status: criteria provided, multiple submitters, no conflicts (2 of 4 stars). 4 submissions from 4 submitters: Benign (1); Likely benign (3). Last evaluated 2026-01-17.

Allele frequency attached by ClinVar (database versions not stated): 1000 Genomes Project 30x 0.00016; ESP Exome Variant Server 0.00017; 1000 Genomes Project 0.00020; TOPMed 0.00029; gnomAD 0.00038; gnomAD exomes 0.00045 and 0.00058; ExAC 0.00065.
gnomAD v4.1: 889 of 1,613,092 alleles (0.055%); highest among the groups gnomAD compares: Non-Finnish European, 0.071%; no homozygotes.

Submissions (4):

Labcorp Genetics (formerly Invitae), Labcorp
Classification: Benign. Last evaluated: 2026-01-17. Review status: criteria provided, single submitter. Criteria: Invitae Variant Classification Sherloc (09022015). Collection method: clinical testing. Allele origin: germline.

CeGaT Center for Human Genetics Tuebingen
Classification: Likely benign. Last evaluated: 2024-12-01. Review status: criteria provided, single submitter. Criteria: CeGaT Center For Human Genetics Tuebingen Variant Classification Criteria Version 2. Collection method: clinical testing. Allele origin: germline. Affected: yes. Observed: 3 variant alleles.
Comment: TOP2B: BP4, BP7

Blueprint Genetics
Classification: Likely benign. Last evaluated: 2024-11-20. Review status: criteria provided, single submitter. Criteria: ACMG Guidelines, 2015. Collection method: clinical testing. Allele origin: germline.

Breakthrough Genomics
Classification: Likely benign. Review status: criteria provided, single submitter. Criteria: ACMG Guidelines, 2015. Collection method: not provided. Allele origin: germline. Inheritance: Autosomal dominant inheritance. Affected: yes.

NM_001330700.2(TOP2B):c.3018G>A (p.Leu1006=)

Gene: TOP2B (DNA topoisomerase II beta; minus strand). Cytogenetic location: 3p24.2.
Variant type: single nucleotide variant.
Coding change: c.3018G>A on transcript NM_001330700.2 (MANE Select); coding-DNA position 3018, G replaced by A.
Protein change: p.Leu1006=; no amino-acid change (leucine 1006 retained).
Molecular consequence: synonymous variant.
Genome position (GRCh38, 1-based): chr3:25,619,907, C>T on the plus strand (G>A on the coding strand, the complement: TOP2B is on the minus strand). VCF-style: chr3-25619907-C-T. GRCh37 (hg19) VCF-style: chr3-25661398-C-T.
Other names: c.3003G>A, p.Leu1001= (NM_001068.3).
Identifiers: ClinVar variation 1630643 (VCV001630643.34), dbSNP rs182970955, ClinGen allele CA2288392.